The following is an entry in ClinVar:

NM_001184.4(ATR):c.3776C>G (p.Pro1259Arg)

Gene: ATR (ATR checkpoint kinase; minus strand). Cytogenetic location: 3q23.
Variant type: single nucleotide variant.
Coding change: c.3776C>G on transcript NM_001184.4 (MANE Select); coding-DNA position 3776, C replaced by G.
Protein change: p.Pro1259Arg; replaces proline 1259 with arginine.
Molecular consequence: missense variant.
Genome position (GRCh38, 1-based): chr3:142,536,151, G>C on the plus strand (C>G on the coding strand, the complement: ATR is on the minus strand). VCF-style: chr3-142536151-G-C. GRCh37 (hg19) VCF-style: chr3-142254993-G-C.
Other names: c.3584C>G, p.Pro1195Arg (NM_001354579.2); short protein forms P1259R, P1195R.
Identifiers: ClinVar variation 2453580 (VCV002453580.2), dbSNP rs1490730413, ClinGen allele CA354806777.
Genomic context (GRCh38, chr3:142,536,151, plus strand): 5'-AATTAAAAATTAAATACCTTTCTGTATTCCTGGAGAACGGCTTTTATCTTTTTTAATTCT[G>C]GATGATCAGGTAAAAAATATATTTCATGAAGAAAATCTTGCACAGCATCCCTAATAGTTA-3'
Protein context (NP_001175.2, residues 1249-1269): LHEIYFLPDH[Pro1259Arg]ELKKIKAVLQ

ClinVar aggregate classification (germline): Uncertain significance (1 of 4 stars; one submission).

Conditions:
Inborn genetic diseases. Identifiers: MedGen C0950123, MeSH D030342.

Submission:

Ambry Genetics
Classification: Uncertain significance for Inborn genetic diseases. Last evaluated: 2023-01-31. Review status: criteria provided, single submitter. Criteria: Ambry Variant Classification Scheme 2023. Collection method: clinical testing. Allele origin: germline.
Comment: The p.P1259R variant (also known as c.3776C>G), located in coding exon 20 of the ATR gene, results from a C to G substitution at nucleotide position 3776. The proline at codon 1259 is replaced by arginine, an amino acid with dissimilar properties. This amino acid position is conserved. In addition, the in silico prediction for this alteration is inconclusive. Since supporting evidence is limited at this time, the clinical significance of this alteration remains unclear.